The following is an entry in ClinVar:

ClinVar aggregate classification (germline): Pathogenic/Likely pathogenic. Review status: criteria provided, multiple submitters, no conflicts (2 of 4 stars). 2 submissions from 2 submitters: Pathogenic (1); Likely pathogenic (1). Last evaluated 2026-02-11.

Conditions:
Fanconi anemia (FA). Also called: Fanconi's anemia. Identifiers: Orphanet 84, MedGen C0015625, MeSH D005199, MONDO:0019391.
Fanconi anemia complementation group C (FANCC). Also called: FANCC-Related Fanconi Anemia; FANCONI PANCYTOPENIA, TYPE 3; FACC; Fanconi anemia, group C. Identifiers: Orphanet 84, MedGen C3468041, MONDO:0009213, OMIM 227645.

Submissions (2):

St. Jude Molecular Pathology, St. Jude Children's Research Hospital
Classification: Likely pathogenic for Fanconi anemia complementation group C. Last evaluated: 2026-02-11. Review status: criteria provided, single submitter. Criteria: St. Jude Assertion Criteria 2020. Collection method: clinical testing. Allele origin: germline.
Comment: The FANCC c.1593C>A p.(Tyr531Ter) change is a nonsense variant that is predicted to cause premature protein truncation. This variant is not predicted to result in nonsense mediated decay, however the truncated region is critical to protein function (PMID: 8882868). Although this variant has not been reported in the literature in individuals with Fanconi anemia, downstream truncating variants have been identified in individuals with Fanconi anemia (PMID: 8103176, 28425259, 33960719). This variant is absent in gnomAD v2.1.1. In summary, this variant meets criteria to be classified as likely pathogenic.

Labcorp Genetics (formerly Invitae), Labcorp
Classification: Pathogenic for Fanconi anemia. Last evaluated: 2025-10-14. Review status: criteria provided, single submitter. Criteria: Invitae Variant Classification Sherloc (09022015). Collection method: clinical testing. Allele origin: germline.
Comment: This sequence change creates a premature translational stop signal (p.Tyr531*) in the FANCC gene. While this is not anticipated to result in nonsense mediated decay, it is expected to disrupt the last 28 amino acid(s) of the FANCC protein. This variant is not present in population databases (gnomAD no frequency). This variant has not been reported in the literature in individuals affected with FANCC-related conditions. This variant disrupts a region of the FANCC protein in which other variant(s) (p.Arg548*) have been determined to be pathogenic (PMID: 8103176, 24584348). This suggests that this is a clinically significant region of the protein, and that variants that disrupt it are likely to be disease-causing. For these reasons, this variant has been classified as Pathogenic.

Literature cited by the submitters: PubMed 8103176 (cited by Labcorp Genetics (formerly Invitae), Labcorp); PubMed 24584348 (cited by Labcorp Genetics (formerly Invitae), Labcorp).

NM_000136.3(FANCC):c.1593C>A (p.Tyr531Ter)

Genes: AOPEP (aminopeptidase O (putative); plus strand), FANCC (FA complementation group C; minus strand). Cytogenetic location: 9q22.32.
Variant type: single nucleotide variant.
Coding change: c.1593C>A on transcript NM_000136.3 (MANE Select); coding-DNA position 1593, C replaced by A.
Protein change: p.Tyr531Ter; replaces tyrosine 531 with a stop codon.
Molecular consequence: nonsense.
Genome position (GRCh38, 1-based): chr9:95,101,791, G>T on the plus strand (C>A on the coding strand, the complement: FANCC is on the minus strand). VCF-style: chr9-95101791-G-T. GRCh37 (hg19) VCF-style: chr9-97864073-G-T.
Other names: c.1593C>A, p.Tyr531Ter (NM_001243743.2); short protein forms Y531*.
Identifiers: ClinVar variation 4701735 (VCV004701735.2).